The following is an entry in ClinVar:

ClinVar aggregate classification (germline): Uncertain significance (1 of 4 stars; one submission).

gnomAD v4.1: 2 of 1,613,676 alleles (0.00012%); highest among the groups gnomAD compares: Non-Finnish European, 0.00017%; no homozygotes.

Submission:

CeGaT Center for Human Genetics Tuebingen
Classification: Uncertain significance. Last evaluated: 2024-09-01. Review status: criteria provided, single submitter. Criteria: CeGaT Center For Human Genetics Tuebingen Variant Classification Criteria Version 2. Collection method: clinical testing. Allele origin: germline. Affected: yes. Observed: 1 variant allele.
Comment: CCND2: PM2, BP4

NM_001759.4(CCND2):c.53G>C (p.Arg18Pro)

Genes: CCND2 (cyclin D2; plus strand), CCND2-AS1 (CCND2 antisense RNA 1; minus strand). Cytogenetic location: 12p13.32.
Variant type: single nucleotide variant.
Coding change: c.53G>C on transcript NM_001759.4 (MANE Select); coding-DNA position 53, G replaced by C.
Protein change: p.Arg18Pro; replaces arginine 18 with proline.
Molecular consequence: missense variant.
Genome position (GRCh38, 1-based): chr12:4,274,093, G>C. VCF-style: chr12-4274093-G-C. GRCh37 (hg19) VCF-style: chr12-4383259-G-C.
Other names: short protein forms R18P.
Identifiers: ClinVar variation 3389275 (VCV003389275.14).